The following is an entry in ClinVar:

ClinVar aggregate classification (germline): Pathogenic (1 of 4 stars; one submission).

Submission:

Labcorp Genetics (formerly Invitae), Labcorp
Classification: Pathogenic. Last evaluated: 2021-07-14. Review status: criteria provided, single submitter. Criteria: Invitae Variant Classification Sherloc (09022015). Collection method: clinical testing. Allele origin: germline.
Comment: This variant is a gross deletion of the genomic region encompassing exon(s) 2-3 of the PRPF31 gene, which includes the initiator codon. The 5' end of this event is unknown as it extends beyond the assayed region for this gene and therefore may encompass additional genes. The 3' boundary is likely confined to intron 3 of the PRPF31 gene. It is expected to result in an absent or disrupted protein product. Loss-of-function variants in PRPF31 are known to be pathogenic (PMID: 18317597, 23950152). This variant has not been reported in the literature in individuals affected with PRPF31-related conditions. For these reasons, this variant has been classified as Pathogenic.

Literature cited by the submitters: PubMed 18317597; PubMed 23950152.

NC_000019.9:g.(?_54621004)_(54625231_?)del

Gene: PRPF31 (pre-mRNA processing factor 31; plus strand). Cytogenetic location: 19q13.42.
Variant type: Deletion.
Identifiers: ClinVar variation 1370649 (VCV001370649.1).